The following is an entry in ClinVar:

NM_017849.4(TMEM127):c.226C>T (p.His76Tyr)

Gene: TMEM127 (transmembrane protein 127; minus strand). Cytogenetic location: 2q11.2.
Variant type: single nucleotide variant.
Coding change: c.226C>T on transcript NM_017849.4 (MANE Select); coding-DNA position 226, C replaced by T.
Protein change: p.His76Tyr; replaces histidine 76 with tyrosine.
Molecular consequence: missense variant.
Genome position (GRCh38, 1-based): chr2:96,265,156, G>A on the plus strand (C>T on the coding strand, the complement: TMEM127 is on the minus strand). VCF-style: chr2-96265156-G-A. GRCh37 (hg19) VCF-style: chr2-96930894-G-A.
Other names: c.226C>T, p.His76Tyr (NM_001193304.3); short protein forms H76Y.
Identifiers: ClinVar variation 2043813 (VCV002043813.2), dbSNP rs1310575268, ClinGen allele CA347655861.

ClinVar aggregate classification (germline): Uncertain significance. Review status: criteria provided, multiple submitters, no conflicts (2 of 4 stars). 2 submissions from 2 submitters: Uncertain significance (2). Last evaluated 2023-10-01.

Conditions:
Hereditary pheochromocytoma and paraganglioma. Also called: Hereditary paragangliomas and pheochromocytomas; Hereditary Paraganglioma-Pheochromocytoma Syndromes; Hereditary pheochromocytoma-paraganglioma. Identifiers: Orphanet 29072, MedGen C4274332, MONDO:0017366.
Hereditary cancer-predisposing syndrome. Also called: Tumor predisposition; Hereditary Cancer Syndrome; Hereditary neoplastic syndrome; Neoplastic Syndromes, Hereditary. Identifiers: Orphanet 140162, MedGen C0027672, MeSH D009386, MONDO:0015356.

Allele frequency attached by ClinVar (database versions not stated): gnomAD exomes below 0.00001.

Submissions (2):

Ambry Genetics
Classification: Uncertain significance for Hereditary cancer-predisposing syndrome. Last evaluated: 2023-10-01. Review status: criteria provided, single submitter. Criteria: Ambry Variant Classification Scheme 2023. Collection method: clinical testing. Allele origin: germline.
Comment: The p.H76Y variant (also known as c.226C>T), located in coding exon 1 of the TMEM127 gene, results from a C to T substitution at nucleotide position 226. The histidine at codon 76 is replaced by tyrosine, an amino acid with similar properties. This amino acid position is conserved. In addition, this alteration is predicted to be tolerated by in silico analysis. Since supporting evidence is limited at this time, the clinical significance of this alteration remains unclear.

Labcorp Genetics (formerly Invitae), Labcorp
Classification: Uncertain significance for Hereditary pheochromocytoma and paraganglioma. Last evaluated: 2022-06-29. Review status: criteria provided, single submitter. Criteria: Invitae Variant Classification Sherloc (09022015). Collection method: clinical testing. Allele origin: germline.
Comment: This sequence change replaces histidine, which is basic and polar, with tyrosine, which is neutral and polar, at codon 76 of the TMEM127 protein (p.His76Tyr). This variant is not present in population databases (gnomAD no frequency). This variant has not been reported in the literature in individuals affected with TMEM127-related conditions. Algorithms developed to predict the effect of missense changes on protein structure and function (SIFT, PolyPhen-2, Align-GVGD) all suggest that this variant is likely to be tolerated. In summary, the available evidence is currently insufficient to determine the role of this variant in disease. Therefore, it has been classified as a Variant of Uncertain Significance.